The following is an entry in ClinVar:

NM_001292034.3(TAB2):c.1784T>C (p.Leu595Pro)

Gene: TAB2 (TGF-beta activated kinase 1 (MAP3K7) binding protein 2; plus strand). Cytogenetic location: 6q25.1.
Variant type: single nucleotide variant.
Coding change: c.1784T>C on transcript NM_001292034.3 (MANE Select); coding-DNA position 1784, T replaced by C.
Protein change: p.Leu595Pro; replaces leucine 595 with proline.
Molecular consequence: missense variant.
Genome position (GRCh38, 1-based): chr6:149,397,988, T>C. VCF-style: chr6-149397988-T-C. GRCh37 (hg19) VCF-style: chr6-149719124-T-C.
Other names: c.1688T>C, p.Leu563Pro (NM_001292035.3); c.1784T>C, p.Leu595Pro (NM_001369506.1, NM_015093.6); short protein forms L563P, L595P.
Identifiers: ClinVar variation 4976133 (VCV004976133.1).

ClinVar aggregate classification (germline): Uncertain significance (1 of 4 stars; one submission).

Submission:

GeneDx
Classification: Uncertain significance. Last evaluated: 2026-02-03. Review status: criteria provided, single submitter. Criteria: GeneDx Variant Classification Process June 2021. Collection method: clinical testing. Allele origin: germline.
Comment: Not observed at significant frequency in large population cohorts (gnomAD); In silico analysis supports that this missense variant has a deleterious effect on protein structure/function; Has not been previously published as pathogenic or benign to our knowledge